The following is an entry in ClinVar:

NM_000053.4(ATP7B):c.1870-2A>G

Gene: ATP7B (ATPase copper transporting beta; minus strand). Cytogenetic location: 13q14.3.
Variant type: single nucleotide variant.
Coding change: c.1870-2A>G on transcript NM_000053.4 (MANE Select); the canonical splice acceptor site of the intron before coding-DNA position 1870, A replaced by G.
Molecular consequence: splice acceptor variant. On other transcripts: intron variant (13).
Genome position (GRCh38, 1-based): chr13:51,961,915, T>C on the plus strand (A>G on the coding strand, the complement: ATP7B is on the minus strand). VCF-style: chr13-51961915-T-C. GRCh37 (hg19) VCF-style: chr13-52536051-T-C.
Other names: c.1869+2957A>G (NM_001406541.1, NM_001406531.1, NM_001406532.1 and 5 more transcripts); c.1870-2A>G (NM_001406527.1, NM_001406537.1, NM_001406521.1 and 17 more transcripts); c.1773+2957A>G (NM_001406543.1, NM_001406544.1); c.1537-2A>G (NM_001243182.2); c.1286-11754A>G (NM_001406548.1); c.1837-2A>G (NM_001406524.1, NM_001406514.1); c.1708-4308A>G (NM_001406547.1, NM_001406545.1); c.1774-2A>G (NM_001406518.1, NM_001406536.1, NM_001406530.1 and 1 more transcripts); and 1 more.
Identifiers: ClinVar variation 4710103 (VCV004710103.2).

ClinVar aggregate classification (germline): Likely pathogenic. Review status: criteria provided, multiple submitters, no conflicts (2 of 4 stars). 2 submissions from 2 submitters: Likely pathogenic (2). Last evaluated 2026-02-03.

Conditions:
Wilson disease (WND). Also called: Wilson's disease. Identifiers: Orphanet 905, MedGen C0019202, MONDO:0010200, OMIM 277900. Disease mechanism: loss of function.

gnomAD v4.1: 2 of 1,613,238 alleles (0.00012%); highest among the groups gnomAD compares: Non-Finnish European, 0.00017%; no homozygotes.

Submissions (2):

Labcorp Genetics (formerly Invitae), Labcorp
Classification: Likely pathogenic for Wilson disease. Last evaluated: 2026-02-03. Review status: criteria provided, single submitter. Criteria: Invitae Variant Classification Sherloc (09022015). Collection method: clinical testing. Allele origin: germline.
Comment: This sequence change affects an acceptor splice site in intron 5 of the ATP7B gene. It is expected to disrupt RNA splicing. Variants that disrupt the donor or acceptor splice site typically lead to a loss of protein function (PMID: 16199547), and loss-of-function variants in ATP7B are known to be pathogenic (PMID: 10441329, 16283883). This variant is not present in population databases (gnomAD no frequency). Disruption of this splice site has been observed in individual(s) with Wilson disease (PMID: 18286826). This variant is also known as IVS5-2A>G or c.1947-2A>G. Algorithms developed to predict the effect of sequence changes on RNA splicing suggest that this variant may disrupt the consensus splice site. In summary, the currently available evidence indicates that the variant is pathogenic, but additional data are needed to prove that conclusively. Therefore, this variant has been classified as Likely Pathogenic.

Natera, Inc.
Classification: Likely pathogenic for Wilson disease. Last evaluated: 2025-06-10. Review status: criteria provided, single submitter. Criteria: Natera Variant Classification Schema (03/2026). Collection method: clinical testing. Allele origin: germline.
Comment: The c.1870-2A>G variant in ATP7B is a canonical splice acceptor site variant predicted to affect pre-mRNA splicing, which may result in an abnormal transcript and altered protein product. This variant is expected to result in nonsense mediated decay, truncation, or a dysfunctional protein product. This variant is rare in the general population with a frequency below the threshold expected for the associated phenotype(s). Given the available evidence, this variant is classified as Likely Pathogenic.

Literature cited by the submitters: PubMed 16199547 (cited by Labcorp Genetics (formerly Invitae), Labcorp); PubMed 10441329 (cited by Labcorp Genetics (formerly Invitae), Labcorp); PubMed 16283883 (cited by Labcorp Genetics (formerly Invitae), Labcorp); PubMed 18286826 (cited by Labcorp Genetics (formerly Invitae), Labcorp).